The following is an entry in ClinVar:

ClinVar aggregate classification (germline): Likely benign. Review status: criteria provided, multiple submitters, no conflicts (2 of 4 stars). 3 submissions from 3 submitters: Likely benign (3). Last evaluated 2022-12-01.

Conditions:
Hereditary cancer-predisposing syndrome. Also called: Neoplastic Syndromes, Hereditary; Hereditary neoplastic syndrome; Tumor predisposition; Hereditary Cancer Syndrome. Identifiers: Orphanet 140162, MedGen C0027672, MeSH D009386, MONDO:0015356.
Hereditary breast ovarian cancer syndrome. Also called: Hereditary breast and/or ovarian cancer syndrome; Hereditary breast and ovarian cancer syndrome; Breast and ovarian cancer; BRCA1- and BRCA2-Associated Hereditary Breast and Ovarian Cancer; Hereditary breast and ovarian cancer; Hereditary breast and ovarian cancer syndrome (HBOC). Identifiers: Orphanet 145, MedGen C0677776, MeSH D061325, MONDO:0003582. Disease mechanism: loss of function.

Submissions (3):

CeGaT Center for Human Genetics Tuebingen
Classification: Likely benign. Last evaluated: 2022-12-01. Review status: criteria provided, single submitter. Criteria: CeGaT Center For Human Genetics Tuebingen Variant Classification Criteria Version 2. Collection method: clinical testing. Allele origin: germline. Affected: yes. Observed: 1 variant allele.
Comment: BRCA2: PM2:Supporting, BP4, BP7

Labcorp Genetics (formerly Invitae), Labcorp
Classification: Likely benign for Hereditary breast ovarian cancer syndrome. Last evaluated: 2022-07-19. Review status: criteria provided, single submitter. Criteria: Invitae Variant Classification Sherloc (09022015). Collection method: clinical testing. Allele origin: germline.

Ambry Genetics
Classification: Likely benign for Hereditary cancer-predisposing syndrome. Last evaluated: 2022-02-23. Review status: criteria provided, single submitter. Criteria: Ambry Variant Classification Scheme 2023. Collection method: clinical testing. Allele origin: germline.

NM_000059.4(BRCA2):c.8211A>G (p.Leu2737=)

Gene: BRCA2 (BRCA2 DNA repair associated; plus strand). Cytogenetic location: 13q13.1.
Variant type: single nucleotide variant.
Coding change: c.8211A>G on transcript NM_000059.4 (MANE Select); coding-DNA position 8211, A replaced by G.
Protein change: p.Leu2737=; no amino-acid change (leucine 2737 retained).
Molecular consequence: synonymous variant.
Genome position (GRCh38, 1-based): chr13:32,363,413, A>G. VCF-style: chr13-32363413-A-G. GRCh37 (hg19) VCF-style: chr13-32937550-A-G.
Identifiers: ClinVar variation 1604662 (VCV001604662.39), dbSNP rs2137581849, ClinGen allele CA483439635.